The following is an entry in ClinVar:

ClinVar aggregate classification (germline): Uncertain significance (1 of 4 stars; one submission).

Submission:

Labcorp Genetics (formerly Invitae), Labcorp
Classification: Uncertain significance. Last evaluated: 2022-12-20. Review status: criteria provided, single submitter. Criteria: Invitae Variant Classification Sherloc (09022015). Collection method: clinical testing. Allele origin: germline.
Comment: This variant has not been reported in the literature in individuals affected with NBAS-related conditions. This sequence change replaces valine, which is neutral and non-polar, with alanine, which is neutral and non-polar, at codon 1700 of the NBAS protein (p.Val1700Ala). This variant is not present in population databases (gnomAD no frequency). Advanced modeling of protein sequence and biophysical properties (such as structural, functional, and spatial information, amino acid conservation, physicochemical variation, residue mobility, and thermodynamic stability) performed at Invitae indicates that this missense variant is not expected to disrupt NBAS protein function. In summary, the available evidence is currently insufficient to determine the role of this variant in disease. Therefore, it has been classified as a Variant of Uncertain Significance.

NM_015909.4(NBAS):c.5099T>C (p.Val1700Ala)

Gene: NBAS (NBAS subunit of NRZ tethering complex; minus strand). Cytogenetic location: 2p24.3.
Variant type: single nucleotide variant.
Coding change: c.5099T>C on transcript NM_015909.4 (MANE Select); coding-DNA position 5099, T replaced by C.
Protein change: p.Val1700Ala; replaces valine 1700 with alanine.
Molecular consequence: missense variant. On other transcripts: non-coding transcript variant (1).
Genome position (GRCh38, 1-based): chr2:15,287,112, A>G on the plus strand (T>C on the coding strand, the complement: NBAS is on the minus strand). VCF-style: chr2-15287112-A-G. GRCh37 (hg19) VCF-style: chr2-15427236-A-G.
Other names: short protein forms V1700A.
Identifiers: ClinVar variation 2822712 (VCV002822712.2), dbSNP rs2528174862, ClinGen allele CA345886795.